The following is an entry in ClinVar:

ClinVar aggregate classification (germline): Likely benign (1 of 4 stars; one submission).

Conditions:
UBR7-related condition.

gnomAD v4.1: 525 of 1,583,694 alleles (0.033%); highest among the groups gnomAD compares: South Asian, 0.084%; no homozygotes.

Submission:

PreventionGenetics, part of Exact Sciences
Classification: Likely benign for UBR7-related condition. Last evaluated: 2025-08-26. Review status: criteria provided, single submitter. Criteria: ACMG Guidelines, 2015. Collection method: clinical testing. Allele origin: germline.
Comment: This variant is classified as likely benign based on ACMG/AMP sequence variant interpretation guidelines (Richards et al. 2015 PMID: 25741868, with internal and published modifications).

NM_175748.4(UBR7):c.961-9T>C

Gene: UBR7 (ubiquitin protein ligase E3 component n-recognin 7; plus strand). Cytogenetic location: 14q32.12.
Variant type: single nucleotide variant.
Coding change: c.961-9T>C on transcript NM_175748.4 (MANE Select); 9 bases into the intron before coding-DNA position 961, T replaced by C.
Molecular consequence: intron variant.
Genome position (GRCh38, 1-based): chr14:93,220,240, T>C. VCF-style: chr14-93220240-T-C. GRCh37 (hg19) VCF-style: chr14-93686586-T-C.
Identifiers: ClinVar variation 4982407 (VCV004982407.1).
Genomic context (GRCh38, chr14:93,220,240, plus strand): 5'-TTCTGAGAATGATAAACAGTTCTAATGGGGAAACTCCTCTTTCTTTTTTTTTTTTTTTTT[T>C]CCCTAAAGAAAATGTATGGAGATCTAGATGTCTTATTCCTGACAGATGAATACGACACAG-3'